The following is an entry in ClinVar:

ClinVar aggregate classification (germline): Uncertain significance (1 of 4 stars; one submission).

Submission:

Labcorp Genetics (formerly Invitae), Labcorp
Classification: Uncertain significance. Last evaluated: 2022-11-14. Review status: criteria provided, single submitter. Criteria: Invitae Variant Classification Sherloc (09022015). Collection method: clinical testing. Allele origin: germline.
Comment: This sequence change replaces glutamic acid, which is acidic and polar, with glutamine, which is neutral and polar, at codon 223 of the POLE protein (p.Glu223Gln). This variant is not present in population databases (gnomAD no frequency). This variant has not been reported in the literature in individuals affected with POLE-related conditions. Advanced modeling of protein sequence and biophysical properties (such as structural, functional, and spatial information, amino acid conservation, physicochemical variation, residue mobility, and thermodynamic stability) performed at Invitae indicates that this missense variant is expected to disrupt POLE protein function. In summary, the available evidence is currently insufficient to determine the role of this variant in disease. Therefore, it has been classified as a Variant of Uncertain Significance.

NM_006231.4(POLE):c.667G>C (p.Glu223Gln)

Gene: POLE (DNA polymerase epsilon, catalytic subunit; minus strand). Cytogenetic location: 12q24.33.
Variant type: single nucleotide variant.
Coding change: c.667G>C on transcript NM_006231.4 (MANE Select); coding-DNA position 667, G replaced by C.
Protein change: p.Glu223Gln; replaces glutamic acid 223 with glutamine.
Molecular consequence: missense variant.
Genome position (GRCh38, 1-based): chr12:132,677,631, C>G on the plus strand (G>C on the coding strand, the complement: POLE is on the minus strand). VCF-style: chr12-132677631-C-G. GRCh37 (hg19) VCF-style: chr12-133254217-C-G.
Other names: short protein forms E223Q.
Identifiers: ClinVar variation 2814199 (VCV002814199.3), dbSNP rs761757009, ClinGen allele CA387364923.